The following is an entry in ClinVar:

NM_018979.4(WNK1):c.3582G>A (p.Glu1194=)

Gene: WNK1 (WNK lysine deficient protein kinase 1; plus strand). Cytogenetic location: 12p13.33.
Variant type: single nucleotide variant.
Coding change: c.3582G>A on transcript NM_018979.4 (MANE Select); coding-DNA position 3582, G replaced by A.
Protein change: p.Glu1194=; no amino-acid change (glutamic acid 1194 retained).
Molecular consequence: synonymous variant.
Genome position (GRCh38, 1-based): chr12:883,487, G>A. VCF-style: chr12-883487-G-A. GRCh37 (hg19) VCF-style: chr12-992653-G-A.
Other names: c.4362G>A, p.Glu1454= (NM_001184985.2); c.2841G>A, p.Glu947= (NM_014823.3); c.4338G>A, p.Glu1446= (NM_213655.5).
Identifiers: ClinVar variation 194666 (VCV000194666.36), dbSNP rs72650721, ClinGen allele CA201292.

ClinVar aggregate classification (germline): Benign/Likely benign. Review status: criteria provided, multiple submitters, no conflicts (2 of 4 stars). 8 submissions from 8 submitters: Benign (3); Likely benign (5). Last evaluated 2026-08-01.

Conditions:
Neuropathy, hereditary sensory and autonomic, type 2A (HSAN2A). Also called: MORVAN DISEASE; NEUROPATHY, CONGENITAL SENSORY; NEUROPATHY, HEREDITARY SENSORY RADICULAR, AUTOSOMAL RECESSIVE; NEUROPATHY, HEREDITARY SENSORY, TYPE IIA; NEUROPATHY, PROGRESSIVE SENSORY, OF CHILDREN; HSAN IIA. Identifiers: Orphanet 970, MedGen C2752089, MONDO:0024309, OMIM 201300.
Pseudohypoaldosteronism type 2C (PHA2C). Also called: Pseudohypoaldosteronism Type IIC. Identifiers: Orphanet 757, Orphanet 88940, MedGen C1840391, MONDO:0013778, OMIM 614492.
Inborn genetic diseases. Identifiers: MedGen C0950123, MeSH D030342.

Allele frequency attached by ClinVar (database versions not stated): gnomAD exomes 0.00014 and 0.00044; ExAC 0.00057; gnomAD 0.00154 and 0.00173; 1000 Genomes Project 0.00180; TOPMed 0.00181; 1000 Genomes Project 30x 0.00187; ESP Exome Variant Server 0.00261.
gnomAD v4.1: 454 of 1,614,110 alleles (0.028%); highest among the groups gnomAD compares: African/African-American, 0.55%; no homozygotes.

Submissions (8):

CeGaT Center for Human Genetics Tuebingen
Classification: Likely benign. Last evaluated: 2026-08-01. Review status: criteria provided, single submitter. Criteria: CeGaT Center For Human Genetics Tuebingen Variant Classification Criteria Version 2. Collection method: clinical testing. Allele origin: germline. Affected: yes. Observed: 2 variant alleles.
Comment: WNK1: BP4, BP7

Labcorp Genetics (formerly Invitae), Labcorp
Classification: Benign for Neuropathy, hereditary sensory and autonomic, type 2A; Pseudohypoaldosteronism type 2C. Last evaluated: 2025-12-08. Review status: criteria provided, single submitter. Criteria: Invitae Variant Classification Sherloc (09022015). Collection method: clinical testing. Allele origin: germline.

Women's Health and Genetics/Laboratory Corporation of America, LabCorp
Classification: Likely benign. Last evaluated: 2024-09-23. Review status: criteria provided, single submitter. Criteria: LabCorp Variant Classification Summary - May 2015. Collection method: clinical testing. Allele origin: germline.

Blueprint Genetics
Classification: Likely benign. Last evaluated: 2024-02-16. Review status: criteria provided, single submitter. Criteria: ACMG Guidelines, 2015. Collection method: clinical testing. Allele origin: germline.

Fulgent Genetics
Classification: Likely benign for Neuropathy, hereditary sensory and autonomic, type 2A; Pseudohypoaldosteronism type 2C. Last evaluated: 2021-07-23. Review status: criteria provided, single submitter. Criteria: ACMG Guidelines, 2015. Collection method: clinical testing. Allele origin: unknown.

Ambry Genetics
Classification: Likely benign for Inborn genetic diseases. Last evaluated: 2019-07-11. Review status: criteria provided, single submitter. Criteria: Ambry Variant Classification Scheme 2023. Collection method: clinical testing. Allele origin: germline.

Eurofins Ntd Llc (ga)
Classification: Benign. Last evaluated: 2015-04-02. Review status: criteria provided, single submitter. Criteria: EGL Classification Definitions 2015. Collection method: clinical testing. Allele origin: germline. Observed: 1 variant allele, 1 heterozygote.

Breakthrough Genomics
Classification: Benign. Review status: criteria provided, single submitter. Criteria: ACMG Guidelines, 2015. Collection method: not provided. Allele origin: germline. Inheritance: Autosomal recessive inheritance. Affected: yes.